The following is an entry in ClinVar:

NM_004260.4(RECQL4):c.743G>A (p.Arg248His)

Gene: RECQL4 (RecQ like helicase 4; minus strand). Cytogenetic location: 8q24.3.
Variant type: single nucleotide variant.
Coding change: c.743G>A on transcript NM_004260.4 (MANE Select); coding-DNA position 743, G replaced by A.
Protein change: p.Arg248His; replaces arginine 248 with histidine.
Molecular consequence: missense variant.
Genome position (GRCh38, 1-based): chr8:144,516,376, C>T on the plus strand (G>A on the coding strand, the complement: RECQL4 is on the minus strand). VCF-style: chr8-144516376-C-T. GRCh37 (hg19) VCF-style: chr8-145741760-C-T.
Other names: short protein forms R248H.
Identifiers: ClinVar variation 582640 (VCV000582640.12), dbSNP rs759352592, ClinGen allele CA4949191.
Genomic context (GRCh38, chr8:144,516,376, plus strand): 5'-GGCTCCTCGTTCCATCTCCGCTTCTCGCCTCCACTGCTGCTGGGCTGGGGGCTCCCCACA[C>T]GGATGCTGACTTCTTGGAAGGCTGAAGCCTCTGGGCCCTGGGAGCCAGCACCAGGACCAA-3'
Protein context (NP_004251.4, residues 238-258): EASAFQEVSI[Arg248His]VGSPQPSSSG

ClinVar aggregate classification (germline): Uncertain significance. Review status: criteria provided, multiple submitters, no conflicts (2 of 4 stars). 3 submissions from 3 submitters: Uncertain significance (3). Last evaluated 2025-08-09.

Conditions:
Baller-Gerold syndrome (BGS). Also called: CRANIOSYNOSTOSIS WITH RADIAL DEFECTS. Identifiers: Orphanet 1225, MedGen C0265308, MONDO:0009039, OMIM 218600.
Inborn genetic diseases. Identifiers: MedGen C0950123, MeSH D030342.

Allele frequency attached by ClinVar (database versions not stated): gnomAD 0.00001 and 0.00004; ExAC 0.00003; gnomAD exomes 0.00003 and 0.00004; TOPMed 0.00004.
gnomAD v4.1: 47 of 1,610,082 alleles (0.0029%); highest among the groups gnomAD compares: South Asian, 0.027%; 1 homozygote.

Submissions (3):

Labcorp Genetics (formerly Invitae), Labcorp
Classification: Uncertain significance for Baller-Gerold syndrome. Last evaluated: 2025-08-09. Review status: criteria provided, single submitter. Criteria: Invitae Variant Classification Sherloc (09022015). Collection method: clinical testing. Allele origin: germline.
Comment: This sequence change replaces arginine, which is basic and polar, with histidine, which is basic and polar, at codon 248 of the RECQL4 protein (p.Arg248His). This variant is present in population databases (rs759352592, gnomAD 0.03%). This variant has not been reported in the literature in individuals affected with RECQL4-related conditions. ClinVar contains an entry for this variant (Variation ID: 582640). Invitae Evidence Modeling of protein sequence and biophysical properties (such as structural, functional, and spatial information, amino acid conservation, physicochemical variation, residue mobility, and thermodynamic stability) indicates that this missense variant is not expected to disrupt RECQL4 protein function with a negative predictive value of 80%. In summary, the available evidence is currently insufficient to determine the role of this variant in disease. Therefore, it has been classified as a Variant of Uncertain Significance.

Ambry Genetics
Classification: Uncertain significance for Inborn genetic diseases. Last evaluated: 2024-11-18. Review status: criteria provided, single submitter. Criteria: Ambry Variant Classification Scheme 2023. Collection method: clinical testing. Allele origin: germline.
Comment: The p.R248H variant (also known as c.743G>A), located in coding exon 5 of the RECQL4 gene, results from a G to A substitution at nucleotide position 743. The arginine at codon 248 is replaced by histidine, an amino acid with highly similar properties. This amino acid position is conserved. In addition, this alteration is predicted to be tolerated by in silico analysis. Based on the available evidence, the clinical significance of this variant remains unclear.

GeneDx
Classification: Uncertain significance. Last evaluated: 2019-07-22. Review status: criteria provided, single submitter. Criteria: GeneDx Variant Classification Process June 2021. Collection method: clinical testing. Allele origin: germline. Affected: yes.
Comment: In silico analysis, which includes protein predictors and evolutionary conservation, supports that this variant does not alter protein structure/function; Has not been previously published as pathogenic or benign to our knowledge